The following is an entry in ClinVar:

ClinVar aggregate classification (germline): Uncertain significance. Review status: criteria provided, multiple submitters, no conflicts (2 of 4 stars). 2 submissions from 2 submitters: Uncertain significance (2). Last evaluated 2024-03-27.

Conditions:
Hearing loss, autosomal dominant 34, with or without inflammation. Also called: DEAFNESS, AUTOSOMAL DOMINANT 34, WITH OR WITHOUT INFLAMMATION. Identifiers: MedGen C4521680, MONDO:0033261, OMIM 617772.
Familial amyloid nephropathy with urticaria AND deafness (MWS). Also called: Urticaria, deafness and amyloidosis; MUCKLE-WELLS SYNDROME; CRYOPYRIN-ASSOCIATED PERIODIC SYNDROME 2; UDA SYNDROME; URTICARIA-DEAFNESS-AMYLOIDOSIS SYNDROME. Identifiers: Orphanet 575, MedGen C0268390, MONDO:0008633, OMIM 191900.
Keratitis fugax hereditaria. Also called: KERATOENDOTHELIITIS FUGAX HEREDITARIA. Identifiers: Orphanet 647815, MedGen C1835697, MONDO:0007849, OMIM 148200.
Chronic infantile neurological, cutaneous and articular syndrome (CINCA). Also called: CHRONIC NEUROLOGIC CUTANEOUS AND ARTICULAR SYNDROME; Prieur Griscelli syndrome; CRYOPYRIN-ASSOCIATED PERIODIC SYNDROME 3; CINCA syndrome. Identifiers: Orphanet 1451, MedGen C0409818, MONDO:0011776, OMIM 607115.
Familial cold autoinflammatory syndrome 1 (FCAS1). Also called: CRYOPYRIN-ASSOCIATED PERIODIC SYNDROME 1; Familial cold inflammatory syndrome 1. Identifiers: Orphanet 47045, MedGen C4551895, MONDO:0007349, OMIM 120100.
Cryopyrin associated periodic syndrome (CAPS). Identifiers: Orphanet 208650, MedGen C2316212, MONDO:0016168.

Allele frequency attached by ClinVar (database versions not stated): gnomAD exomes 0.00001; ExAC 0.00002.

Submissions (2):

Fulgent Genetics
Classification: Uncertain significance for Familial cold autoinflammatory syndrome 1; Keratitis fugax hereditaria; Familial amyloid nephropathy with urticaria AND deafness; Chronic infantile neurological, cutaneous and articular syndrome; Hearing loss, autosomal dominant 34, with or without inflammation. Last evaluated: 2024-03-27. Review status: criteria provided, single submitter. Criteria: ACMG Guidelines, 2015. Collection method: clinical testing. Allele origin: germline.

Labcorp Genetics (formerly Invitae), Labcorp
Classification: Uncertain significance for Cryopyrin associated periodic syndrome. Last evaluated: 2023-11-21. Review status: criteria provided, single submitter. Criteria: Invitae Variant Classification Sherloc (09022015). Collection method: clinical testing. Allele origin: germline.
Comment: This sequence change replaces arginine, which is basic and polar, with glutamine, which is neutral and polar, at codon 699 of the NLRP3 protein (p.Arg699Gln). This variant is present in population databases (rs746678679, gnomAD 0.002%). This variant has not been reported in the literature in individuals affected with NLRP3-related conditions. ClinVar contains an entry for this variant (Variation ID: 2187459). Advanced modeling of protein sequence and biophysical properties (such as structural, functional, and spatial information, amino acid conservation, physicochemical variation, residue mobility, and thermodynamic stability) performed at Invitae indicates that this missense variant is not expected to disrupt NLRP3 protein function with a negative predictive value of 95%. In summary, the available evidence is currently insufficient to determine the role of this variant in disease. Therefore, it has been classified as a Variant of Uncertain Significance.

NM_001243133.2(NLRP3):c.2090G>A (p.Arg697Gln)

Gene: NLRP3 (NLR family pyrin domain containing 3; plus strand). Cytogenetic location: 1q44.
Variant type: single nucleotide variant.
Coding change: c.2090G>A on transcript NM_001243133.2 (MANE Select); coding-DNA position 2090, G replaced by A.
Protein change: p.Arg697Gln; replaces arginine 697 with glutamine.
Molecular consequence: missense variant.
Genome position (GRCh38, 1-based): chr1:247,425,539, G>A. VCF-style: chr1-247425539-G-A. GRCh37 (hg19) VCF-style: chr1-247588841-G-A.
Other names: c.2090G>A, p.Arg697Gln (NM_001079821.3, NM_001127461.3, NM_001127462.3 and 1 more transcripts); c.2096G>A, p.Arg699Gln (NM_004895.5); short protein forms R697Q, R699Q.
Identifiers: ClinVar variation 2187459 (VCV002187459.5), dbSNP rs746678679, ClinGen allele CA1495109.